The following is an entry in ClinVar:

NM_001005242.3(PKP2):c.974C>G (p.Ala325Gly)

Gene: PKP2 (plakophilin 2; minus strand). Cytogenetic location: 12p11.21.
Variant type: single nucleotide variant.
Coding change: c.974C>G on transcript NM_001005242.3 (MANE Select); coding-DNA position 974, C replaced by G.
Protein change: p.Ala325Gly; replaces alanine 325 with glycine.
Molecular consequence: missense variant.
Genome position (GRCh38, 1-based): chr12:32,877,906, G>C on the plus strand (C>G on the coding strand, the complement: PKP2 is on the minus strand). VCF-style: chr12-32877906-G-C. GRCh37 (hg19) VCF-style: chr12-33030840-G-C.
Other names: c.974C>G, p.Ala325Gly (NM_001407155.1, NM_001407156.1, NM_001407157.1 and 2 more transcripts); c.647C>G, p.Ala216Gly (NM_001407158.1, NM_001407159.1, NM_001407160.1 and 1 more transcripts); short protein forms A216G, A325G.
Identifiers: ClinVar variation 2449720 (VCV002449720.2), dbSNP rs201803918, ClinGen allele CA384361852.

ClinVar aggregate classification (germline): Uncertain significance (1 of 4 stars; one submission).

Conditions:
Cardiovascular phenotype. Identifiers: MedGen CN230736.

Submission:

Ambry Genetics
Classification: Uncertain significance for Cardiovascular phenotype. Last evaluated: 2022-11-19. Review status: criteria provided, single submitter. Criteria: Ambry Variant Classification Scheme 2023. Collection method: clinical testing. Allele origin: germline.
Comment: The p.A325G variant (also known as c.974C>G), located in coding exon 3 of the PKP2 gene, results from a C to G substitution at nucleotide position 974. The alanine at codon 325 is replaced by glycine, an amino acid with similar properties. This amino acid position is conserved. In addition, the in silico prediction for this alteration is inconclusive. Since supporting evidence is limited at this time, the clinical significance of this alteration remains unclear.